The following is an entry in ClinVar:

ClinVar aggregate classification (germline): Pathogenic/Likely pathogenic. Review status: criteria provided, multiple submitters, no conflicts (2 of 4 stars). 6 submissions from 6 submitters: Pathogenic (4); Likely pathogenic (1). 1 of the submissions does not count toward it. Last evaluated 2025-12-09.

Conditions:
Charlevoix-Saguenay spastic ataxia (SACS). Also called: SPASTIC ATAXIA 6, AUTOSOMAL RECESSIVE; Spastic ataxia of Charlevoix-Saguenay; AUTOSOMAL RECESSIVE SPASTIC ATAXIA OF CHARLEVOIX-SAGUENAY. Identifiers: Orphanet 98, MedGen C1849140, MONDO:0010041, OMIM 270550.
Spastic paraplegia. Identifiers: MedGen C0037772, HP:0001258.

Submissions (6):

Women's Health and Genetics/Laboratory Corporation of America, LabCorp
Classification: Pathogenic for Charlevoix-Saguenay spastic ataxia. Last evaluated: 2025-12-09. Review status: criteria provided, single submitter. Criteria: LabCorp Variant Classification Summary - May 2015. Collection method: clinical testing. Allele origin: germline.
Comment: Variant summary: SACS c.9561_9564delGTTT (p.Phe3188X) results in a premature termination codon, predicted to cause a truncation of the encoded protein or absence of the protein, which are commonly known mechanisms for disease. Other variant(s) disrupting the deleted region has been determined to be pathogenic (internla data) The variant was absent in 247244 control chromosomes. To our knowledge, no occurrence of c.9561_9564delGTTT in individuals affected with SACS-related conditions and no experimental evidence demonstrating its impact on protein function have been reported. ClinVar contains an entry for this variant (Variation ID: 411690). Based on the evidence outlined above, the variant was classified as pathogenic.

Genomic Medicine Center of Excellence, King Faisal Specialist Hospital and Research Centre
Classification: Pathogenic for Charlevoix-Saguenay spastic ataxia. Last evaluated: 2025-09-10. Review status: criteria provided, single submitter. Criteria: ACMG Guidelines, 2015. Collection method: clinical testing. Allele origin: germline.

Fulgent Genetics
Classification: Likely pathogenic for Charlevoix-Saguenay spastic ataxia. Last evaluated: 2024-02-08. Review status: criteria provided, single submitter. Criteria: ACMG Guidelines, 2015. Collection method: clinical testing. Allele origin: germline.

PROSPAX: an integrated multimodal progression  chart in spastic ataxias, Center for Neurology; Hertie-Institute for Clinical Brain Research
Classification: Pathogenic for Charlevoix-Saguenay spastic ataxia. Last evaluated: 2022-01-01. Review status: criteria provided, single submitter. Criteria: ACMG Guidelines, 2015. Collection method: research. Allele origin: germline. Affected: yes.
Comment: Variant seen in compound het: [c.12022_12031delinsAATGAAC;c.9561_9564del]

Labcorp Genetics (formerly Invitae), Labcorp
Classification: Pathogenic for Spastic paraplegia. Last evaluated: 2016-07-11. Review status: criteria provided, single submitter. Criteria: Invitae Variant Classification Sherloc (09022015). Collection method: clinical testing. Allele origin: germline.
Comment: For these reasons, this variant has been classified as Pathogenic. While this particular variant has not been reported in the literature, truncating variants in SACS are known to be pathogenic (PMID: 18465152). This sequence change deletes 4 nucleotides from exon 10 of the SACS mRNA (c.9561_9564delGTTT), causing a frameshift at codon 3188. This creates a premature translational stop signal in the last exon of the SACS mRNA (p.Phe3188*). While this is not anticipated to result in nonsense mediated decay, it is expected to result in a truncated SACS protein.

Biochemical Molecular Genetic Laboratory, King Abdulaziz Medical City
Classification: Likely pathogenic for Charlevoix-Saguenay spastic ataxia. Last evaluated: 2020-08-07. Review status: no assertion criteria provided. Collection method: clinical testing. Allele origin: germline. Affected: yes. Not counted in ClinVar's aggregate classification.

Literature cited by the submitters: PubMed 18465152 (cited by Labcorp Genetics (formerly Invitae), Labcorp).

NM_014363.6(SACS):c.9561_9564del (p.Leu3187_Phe3188insTer)

Gene: SACS (sacsin molecular chaperone; minus strand). Cytogenetic location: 13q12.12.
Variant type: Deletion.
Coding change: c.9561_9564del on transcript NM_014363.6 (MANE Select); coding-DNA positions 9561 to 9564, 4 bases deleted (GTTT; older notation c.9561_9564delGTTT).
Protein change: p.Leu3187_Phe3188insTer.
Molecular consequence: frameshift variant.
Genome position (GRCh38, 1-based): chr13:23,334,312-23,334,315, AAAC deleted on the plus strand (GTTT on the coding strand, the reverse complement: SACS is on the minus strand); deleting any 4 consecutive bases within chr13:23,334,312-23,334,317 gives the same sequence; the c. name uses the placement nearest the transcript's 3' end. VCF-style (leftmost placement, unchanged base first): chr13-23334311-TAAAC-T. GRCh37 (hg19) VCF-style: chr13-23908450-TAAAC-T.
Other names: c.9120_9123del, p.Leu3040_Phe3041insTer (NM_001278055.2); c.9561_9564delGTTT (NM_014363.5, NM_014363.6).
Identifiers: ClinVar variation 411690 (VCV000411690.13), dbSNP rs1060503431, ClinGen allele CA16613883.